The following is an entry in ClinVar:

NM_001329752.2(FAM136A):c.408+7G>C

Gene: FAM136A (family with sequence similarity 136 member A; minus strand). Cytogenetic location: 2p13.3.
Variant type: single nucleotide variant.
Coding change: c.408+7G>C on transcript NM_001329752.2 (MANE Select); 7 bases into the intron after coding-DNA position 408, G replaced by C.
Molecular consequence: intron variant. On other transcripts: 5 prime UTR variant (3).
Genome position (GRCh38, 1-based): chr2:70,301,597, C>G on the plus strand (G>C on the coding strand, the complement: FAM136A is on the minus strand). VCF-style: chr2-70301597-C-G. GRCh37 (hg19) VCF-style: chr2-70528729-C-G.
Other names: c.-623G>C (NM_001329755.2); c.-196G>C (NM_001329757.2); c.-82G>C (NM_001329758.2); c.87+328G>C (NM_032822.3); c.342+73G>C (NM_001329753.2).
Identifiers: ClinVar variation 3059676 (VCV003059676.2), dbSNP rs190784330, ClinGen allele CA1698535.

ClinVar aggregate classification (germline): Benign (0 of 4 stars; one submission).

Conditions:
FAM136A-related disorder. Also called: FAM136A-related condition.

Allele frequency attached by ClinVar (database versions not stated): gnomAD exomes 0.00059; TOPMed 0.00078; gnomAD 0.00088; ExAC 0.00098; 1000 Genomes Project 0.00200; 1000 Genomes Project 30x 0.00297.
gnomAD v4.1: 966 of 1,535,910 alleles (0.063%); highest among the groups gnomAD compares: East Asian, 1.9%; 10 homozygotes.

Submission:

PreventionGenetics, part of Exact Sciences
Classification: Benign for FAM136A-related condition. Last evaluated: 2019-04-12. Review status: no assertion criteria provided. Collection method: clinical testing. Allele origin: germline.
Comment: This variant is classified as benign based on ACMG/AMP sequence variant interpretation guidelines (Richards et al. 2015 PMID: 25741868, with internal and published modifications).